The following is an entry in ClinVar:

NM_001035.3(RYR2):c.*56C>A

Gene: RYR2 (ryanodine receptor 2; plus strand). Cytogenetic location: 1q43.
Variant type: single nucleotide variant.
Coding change: c.*56C>A on transcript NM_001035.3 (MANE Select); 56 bases downstream of the stop codon, C replaced by A.
Molecular consequence: 3 prime UTR variant.
Genome position (GRCh38, 1-based): chr1:237,832,703, C>A. VCF-style: chr1-237832703-C-A. GRCh37 (hg19) VCF-style: chr1-237996003-C-A.
Other names: c.*56C>A (LRG_402t1).
Identifiers: ClinVar variation 296768 (VCV000296768.6), dbSNP rs74703306, ClinGen allele CA10610752.

ClinVar aggregate classification (germline): Benign. Review status: criteria provided, multiple submitters, no conflicts (2 of 4 stars). 3 submissions from 2 submitters: Benign (3). Last evaluated 2018-06-18.

Conditions:
Arrhythmogenic right ventricular dysplasia 2. Identifiers: MedGen C1832931.
Catecholaminergic polymorphic ventricular tachycardia 1. Also called: VENTRICULAR TACHYCARDIA, CATECHOLAMINERGIC POLYMORPHIC, 1, WITH OR WITHOUT ATRIAL DYSFUNCTION AND/OR DILATED CARDIOMYOPATHY; VENTRICULAR TACHYCARDIA, STRESS-INDUCED POLYMORPHIC 1; RYR2-Related Catecholaminergic Polymorphic Ventricular Tachycardia. Identifiers: Orphanet 3286, MedGen C1631597, MONDO:0011484, OMIM 604772.

Allele frequency attached by ClinVar (database versions not stated): gnomAD 0.01793 and 0.01808; TOPMed 0.01933; 1000 Genomes Project 0.02796; 1000 Genomes Project 30x 0.02936.
gnomAD v4.1: 6,283 of 986,784 alleles (0.64%); highest among the groups gnomAD compares: African/African-American, 5.7%; 162 homozygotes.

Submissions (3):

GeneDx
Classification: Benign. Last evaluated: 2018-06-18. Review status: criteria provided, single submitter. Criteria: GeneDx Variant Classification Process June 2021. Collection method: clinical testing. Allele origin: germline. Affected: yes.

Illumina Laboratory Services, Illumina
Classification: Benign for Catecholaminergic polymorphic ventricular tachycardia 1. Last evaluated: 2018-01-12. Review status: criteria provided, single submitter. Criteria: ICSL Variant Classification Criteria 13 December 2019. Collection method: clinical testing. Allele origin: germline.
Comment: This variant was observed in the ICSL laboratory as part of a predisposition screen in an ostensibly healthy population. It had not been previously curated by ICSL or reported in the Human Gene Mutation Database (HGMD: prior to June 1st, 2018), and was therefore a candidate for classification through an automated scoring system. Utilizing variant allele frequency, disease prevalence and penetrance estimates, and inheritance mode, an automated score was calculated to assess if this variant is too frequent to cause the disease. Based on the score and internal cut-off values, a variant classified as benign is not then subjected to further curation. The score for this variant resulted in a classification of benign for this disease.

Illumina Laboratory Services, Illumina
Classification: Benign for Catecholaminergic polymorphic ventricular tachycardia 1. Last evaluated: 2018-01-12. Review status: criteria provided, single submitter. Criteria: ICSL Variant Classification Criteria 13 December 2019. Collection method: clinical testing. Allele origin: germline.
Comment: the same text as in the submission from Illumina Laboratory Services, Illumina above.